The following is an entry in ClinVar:

NM_019612.4(IRGC):c.984G>A (p.Ser328=)

Gene: IRGC (immunity related GTPase cinema; plus strand). Cytogenetic location: 19q13.31.
Variant type: single nucleotide variant.
Coding change: c.984G>A on transcript NM_019612.4 (MANE Select); coding-DNA position 984, G replaced by A.
Protein change: p.Ser328=; no amino-acid change (serine 328 retained).
Molecular consequence: synonymous variant.
Genome position (GRCh38, 1-based): chr19:43,719,542, G>A. VCF-style: chr19-43719542-G-A. GRCh37 (hg19) VCF-style: chr19-44223694-G-A.
Identifiers: ClinVar variation 2650069 (VCV002650069.24), dbSNP rs34432569, ClinGen allele CA9490986.

ClinVar aggregate classification (germline): Likely benign (1 of 4 stars; one submission).

Allele frequency attached by ClinVar (database versions not stated): gnomAD exomes 0.00019; ExAC 0.00070; 1000 Genomes Project 0.00160; ESP Exome Variant Server 0.00246; gnomAD 0.00176; 1000 Genomes Project 30x 0.00187; TOPMed 0.00192.
gnomAD v4.1: 556 of 1,602,614 alleles (0.035%); highest among the groups gnomAD compares: African/African-American, 0.61%; 2 homozygotes.

Submission:

CeGaT Center for Human Genetics Tuebingen
Classification: Likely benign. Last evaluated: 2022-09-01. Review status: criteria provided, single submitter. Criteria: CeGaT Center For Human Genetics Tuebingen Variant Classification Criteria Version 2. Collection method: clinical testing. Allele origin: germline. Affected: yes. Observed: 1 variant allele.
Comment: IRGC: BP4, BP7